The following is an entry in ClinVar:

NM_003059.3(SLC22A4):c.286G>C (p.Gly96Arg)

Gene: SLC22A4 (solute carrier family 22 member 4; plus strand). Cytogenetic location: 5q31.1.
Variant type: single nucleotide variant.
Coding change: c.286G>C on transcript NM_003059.3 (MANE Select); coding-DNA position 286, G replaced by C.
Protein change: p.Gly96Arg; replaces glycine 96 with arginine.
Molecular consequence: missense variant.
Genome position (GRCh38, 1-based): chr5:132,294,902, G>C. VCF-style: chr5-132294902-G-C. GRCh37 (hg19) VCF-style: chr5-131630595-G-C.
Other names: c.286G>C (NM_003059.2); short protein forms G96R.
Identifiers: ClinVar variation 2174633 (VCV002174633.5), dbSNP rs757815454, ClinGen allele CA3403338.

ClinVar aggregate classification (germline): Uncertain significance. Review status: criteria provided, multiple submitters, no conflicts (2 of 4 stars). 2 submissions from 2 submitters: Uncertain significance (2). Last evaluated 2026-01-12.

Allele frequency attached by ClinVar (database versions not stated): gnomAD 0.00001; ExAC 0.00002; gnomAD exomes 0.00002; TOPMed 0.00006.
gnomAD v4.1: 35 of 1,596,338 alleles (0.0022%); highest among the groups gnomAD compares: Admixed American, 0.0088%; no homozygotes.

Submissions (2):

Labcorp Genetics (formerly Invitae), Labcorp
Classification: Uncertain significance. Last evaluated: 2026-01-12. Review status: criteria provided, single submitter. Criteria: Invitae Variant Classification Sherloc (09022015). Collection method: clinical testing. Allele origin: germline.
Comment: This sequence change replaces glycine, which is neutral and non-polar, with arginine, which is basic and polar, at codon 96 of the SLC22A4 protein (p.Gly96Arg). This variant is present in population databases (rs757815454, gnomAD 0.003%). This variant has not been reported in the literature in individuals affected with SLC22A4-related conditions. ClinVar contains an entry for this variant (Variation ID: 2174633). An algorithm developed to predict the effect of missense changes on protein structure and function (PolyPhen-2) suggests that this variant is likely to be disruptive. In summary, the available evidence is currently insufficient to determine the role of this variant in disease. Therefore, it has been classified as a Variant of Uncertain Significance.

Ambry Genetics
Classification: Uncertain significance. Last evaluated: 2024-03-01. Review status: criteria provided, single submitter. Criteria: Ambry Variant Classification Scheme 2023. Collection method: clinical testing. Allele origin: germline.